The following is an entry in ClinVar:

ClinVar aggregate classification (germline): Pathogenic (1 of 4 stars; one submission).

Conditions:
Tuberous sclerosis 2 (TSC2). Identifiers: Orphanet 805, MedGen C1860707, MONDO:0013199, OMIM 613254.

Submission:

Labcorp Genetics (formerly Invitae), Labcorp
Classification: Pathogenic for Tuberous sclerosis 2. Last evaluated: 2021-09-15. Review status: criteria provided, single submitter. Criteria: Invitae Variant Classification Sherloc (09022015). Collection method: clinical testing. Allele origin: germline.
Comment: For these reasons, this variant has been classified as Pathogenic. This variant has not been reported in the literature in individuals affected with TSC2-related conditions. This variant is not present in population databases (ExAC no frequency). This sequence change creates a premature translational stop signal (p.Gln1377Profs*37) in the TSC2 gene. It is expected to result in an absent or disrupted protein product. Loss-of-function variants in TSC2 are known to be pathogenic (PMID: 10205261, 17304050).

Literature cited by the submitters: PubMed 10205261; PubMed 17304050.

NM_000548.5(TSC2):c.4127dup (p.Gln1377fs)

Gene: TSC2 (TSC complex subunit 2; plus strand). Cytogenetic location: 16p13.3.
Variant type: Duplication.
Coding change: c.4127dup on transcript NM_000548.5 (MANE Select); coding-DNA position 4127, one base duplicated (T; older notation c.4127dupT).
Protein change: p.Gln1377fs; shifts the reading frame from glutamine 1377.
Molecular consequence: frameshift variant.
Genome position (GRCh38, 1-based): chr16:2,084,349, T duplicated; the last of 2 consecutive T bases (chr16:2,084,348-2,084,349); duplicating either gives the same sequence. VCF-style (leftmost placement, unchanged base first): chr16-2084347-C-CT. GRCh37 (hg19) VCF-style: chr16-2134348-C-CT.
Other names: c.3926dup, p.Gln1310fs (NM_001077183.3); c.4058dup, p.Gln1354fs (NM_001114382.3); c.3818dup, p.Gln1274fs (NM_001318827.2); c.3782dup, p.Gln1262fs (NM_001318829.2); c.3395dup, p.Gln1133fs (NM_001318831.2); c.3959dup, p.Gln1321fs (NM_001318832.2); c.3929dup, p.Gln1311fs (NM_001363528.2); c.3995dup, p.Gln1333fs (NM_001370404.1); and 1 more; short protein forms Q1133fs, Q1310fs, Q1274fs, Q1262fs, Q1333fs, Q1354fs, Q1377fs, Q1311fs.
Identifiers: ClinVar variation 1454522 (VCV001454522.6), dbSNP rs2151524044, ClinGen allele CA2573151611.